The following is an entry in ClinVar:

ClinVar aggregate classification (germline): Uncertain significance. Review status: criteria provided, multiple submitters, no conflicts (2 of 4 stars). 2 submissions from 2 submitters: Uncertain significance (2). Last evaluated 2025-03-11.

Conditions:
Macular degeneration, early-onset (EOMD). Identifiers: MedGen C4015286, MONDO:0014501, OMIM 616118.
Congenital contractural arachnodactyly (CCA). Also called: BEALS SYNDROME; Beals-Hecht syndrome; Arthrogryposis, distal, type 9. Identifiers: Orphanet 115, MedGen C0220668, MONDO:0007363, OMIM 121050.

gnomAD v4.1: 3 of 1,614,064 alleles (0.00019%); highest among the groups gnomAD compares: Non-Finnish European, 0.00025%; no homozygotes.

Submissions (2):

Bioscientia Institut fuer Medizinische Diagnostik GmbH, Sonic Healthcare
Classification: Uncertain significance for Macular degeneration, early-onset. Last evaluated: 2025-03-11. Review status: criteria provided, single submitter. Criteria: ACMG Guidelines, 2015. Collection method: clinical testing. Allele origin: germline. Affected: yes.

Labcorp Genetics (formerly Invitae), Labcorp
Classification: Uncertain significance for Congenital contractural arachnodactyly. Last evaluated: 2025-02-26. Review status: criteria provided, single submitter. Criteria: Invitae Variant Classification Sherloc (09022015). Collection method: clinical testing. Allele origin: germline.
Comment: This sequence change replaces asparagine, which is neutral and polar, with serine, which is neutral and polar, at codon 1842 of the FBN2 protein (p.Asn1842Ser). This variant is present in population databases (no rsID available, gnomAD 0.0009%). This missense change has been observed in individual(s) with clinical features of FBN2-related conditions (internal data). Invitae Evidence Modeling of protein sequence and biophysical properties (such as structural, functional, and spatial information, amino acid conservation, physicochemical variation, residue mobility, and thermodynamic stability) indicates that this missense variant is not expected to disrupt FBN2 protein function with a negative predictive value of 80%. In summary, the available evidence is currently insufficient to determine the role of this variant in disease. Therefore, it has been classified as a Variant of Uncertain Significance.

NM_001999.4(FBN2):c.5525A>G (p.Asn1842Ser)

Gene: FBN2 (fibrillin 2; minus strand). Cytogenetic location: 5q23.3.
Variant type: single nucleotide variant.
Coding change: c.5525A>G on transcript NM_001999.4 (MANE Select); coding-DNA position 5525, A replaced by G.
Protein change: p.Asn1842Ser; replaces asparagine 1842 with serine.
Molecular consequence: missense variant.
Genome position (GRCh38, 1-based): chr5:128,305,846, T>C on the plus strand (A>G on the coding strand, the complement: FBN2 is on the minus strand). VCF-style: chr5-128305846-T-C. GRCh37 (hg19) VCF-style: chr5-127641538-T-C.
Other names: short protein forms N1842S.
Identifiers: ClinVar variation 3676795 (VCV003676795.3).